The following is an entry in ClinVar:

ClinVar aggregate classification (germline): Uncertain significance (1 of 4 stars; one submission).

Conditions:
Fanconi anemia (FA). Also called: Fanconi's anemia. Identifiers: Orphanet 84, MedGen C0015625, MeSH D005199, MONDO:0019391.

Submission:

Labcorp Genetics (formerly Invitae), Labcorp
Classification: Uncertain significance for Fanconi anemia. Last evaluated: 2022-08-19. Review status: criteria provided, single submitter. Criteria: Invitae Variant Classification Sherloc (09022015). Collection method: clinical testing. Allele origin: germline.
Comment: This variant results in a copy number gain of the genomic region encompassing exon(s) 10-14 of the FANCL gene. This region includes the termination codon of the gene. This copy number gain extends beyond the assayed region for this gene and therefore may encompass additional genes. As the precise location of this event is unknown, it may be in tandem or it may be located elsewhere in the genome. This variant has not been reported in the literature in individuals affected with FANCL-related conditions. In summary, the available evidence is currently insufficient to determine the role of this variant in disease. Therefore, it has been classified as a Variant of Uncertain Significance.

NC_000002.11:g.(?_58386900)_(58390229_?)dup

Genes: VRK2 (VRK serine/threonine kinase 2; plus strand), FANCL (FA complementation group L; minus strand). Cytogenetic location: 2p16.1.
Variant type: Duplication.
Identifiers: ClinVar variation 1430265 (VCV001430265.4).